The following is an entry in ClinVar:

ClinVar aggregate classification (germline): Uncertain significance (1 of 4 stars; one submission).

Submission:

CeGaT Center for Human Genetics Tuebingen
Classification: Uncertain significance. Last evaluated: 2023-11-01. Review status: criteria provided, single submitter. Criteria: CeGaT Center For Human Genetics Tuebingen Variant Classification Criteria Version 2. Collection method: clinical testing. Allele origin: germline. Affected: yes. Observed: 1 variant allele.
Comment: CRYAA: PM2

NM_000394.4(CRYAA):c.245C>G (p.Pro82Arg)

Gene: CRYAA (crystallin alpha A; plus strand). Cytogenetic location: 21q22.3.
Variant type: single nucleotide variant.
Coding change: c.245C>G on transcript NM_000394.4 (MANE Select); coding-DNA position 245, C replaced by G.
Protein change: p.Pro82Arg; replaces proline 82 with arginine.
Molecular consequence: missense variant.
Genome position (GRCh38, 1-based): chr21:43,170,572, C>G. VCF-style: chr21-43170572-C-G. GRCh37 (hg19) VCF-style: chr21-44590682-C-G.
Other names: c.134C>G, p.Pro45Arg (NM_001363766.1); short protein forms P45R, P82R.
Identifiers: ClinVar variation 2672891 (VCV002672891.23), dbSNP rs200183640, ClinGen allele CA410605554.
Genomic context (GRCh38, chr21:43,170,572, plus strand): 5'-TTCAGGTTCGATCCGACCGGGACAAGTTCGTCATCTTCCTCGATGTGAAGCACTTCTCCC[C>G]GGAGGACCTCACCGTGAAGGTGCAGGACGACTTTGTGGAGATCCACGGAAAGCACAACGA-3'
Protein context (NP_000385.1, residues 72-92): VIFLDVKHFS[Pro82Arg]EDLTVKVQDD